The following is an entry in ClinVar:

ClinVar aggregate classification (germline): Uncertain significance (1 of 4 stars; one submission).

Submission:

Labcorp Genetics (formerly Invitae), Labcorp
Classification: Uncertain significance. Last evaluated: 2016-10-05. Review status: criteria provided, single submitter. Criteria: Invitae Variant Classification Sherloc (09022015). Collection method: clinical testing. Allele origin: germline.
Comment: In summary, this variant is a novel missense change with uncertain impact on protein function. It has been classified as a Variant of Uncertain Significance. Algorithms developed to predict the effect of sequence changes on RNA splicing suggest that this variant may alter RNA splicing, but this prediction has not been confirmed by published transcriptional studies. Algorithms developed to predict the effect of missense changes on protein structure and function output the following: (SIFT: "Tolerated"; PolyPhen-2: "Benign"; Align-GVGD: "Class C0"). The arginine amino acid residue is found in multiple mammalian species, suggesting that this missense change does not adversely affect protein function. These predictions have not been confirmed by published functional studies. This variant is not present in population databases (ExAC no frequency) and has not been reported in the literature in individuals with a DYX1C1-related disease. This sequence change replaces lysine with arginine at codon 299 of the DYX1C1 protein (p.Lys299Arg). The lysine residue is highly conserved and there is a small physicochemical difference between lysine and arginine.

NM_130810.4(DNAAF4):c.896A>G (p.Lys299Arg)

Genes: DNAAF4 (dynein axonemal assembly factor 4; minus strand), DNAAF4-CCPG1 (DNAAF4-CCPG1 readthrough (NMD candidate); minus strand). Cytogenetic location: 15q21.3.
Variant type: single nucleotide variant.
Coding change: c.896A>G on transcript NM_130810.4 (MANE Select); coding-DNA position 896, A replaced by G.
Protein change: p.Lys299Arg; replaces lysine 299 with arginine.
Molecular consequence: missense variant. On other transcripts: non-coding transcript variant (1).
Genome position (GRCh38, 1-based): chr15:55,435,056, T>C on the plus strand (A>G on the coding strand, the complement: DNAAF4 is on the minus strand). VCF-style: chr15-55435056-T-C. GRCh37 (hg19) VCF-style: chr15-55727254-T-C.
Other names: c.896A>G, p.Lys299Arg (NM_001033559.3, NM_001033560.2); short protein forms K299R.
Identifiers: ClinVar variation 410965 (VCV000410965.11), dbSNP rs1060503096, ClinGen allele CA16614701.